The following is an entry in ClinVar:

ClinVar aggregate classification (germline): Conflicting classifications of pathogenicity. Review status: criteria provided, conflicting classifications (1 of 4 stars). 4 submissions from 4 submitters: Uncertain significance (3); Likely benign (1). Last evaluated 2025-09-23.

Conditions:
PCNT-related disorder. Also called: PCNT-related condition.
Inborn genetic diseases. Identifiers: MedGen C0950123, MeSH D030342.

Allele frequency attached by ClinVar (database versions not stated): ExAC 0.00001; gnomAD exomes 0.00001 and 0.00002; TOPMed 0.00002; gnomAD 0.00003.
gnomAD v4.1: 30 of 1,613,986 alleles (0.0019%); highest among the groups gnomAD compares: Middle Eastern, 0.066%; no homozygotes.

Submissions (4):

PreventionGenetics, part of Exact Sciences
Classification: Uncertain significance for PCNT-related condition. Last evaluated: 2025-09-23. Review status: criteria provided, single submitter. Criteria: ACMG Guidelines, 2015. Collection method: clinical testing. Allele origin: germline.
Comment: The PCNT c.7282G>A variant is predicted to result in the amino acid substitution p.Glu2428Lys. To our knowledge, this variant has not been reported in the literature. This variant is reported in 0.0098% of alleles in individuals of South Asian descent in gnomAD. At this time, the clinical significance of this variant is uncertain due to the absence of conclusive functional and genetic evidence.

Labcorp Genetics (formerly Invitae), Labcorp
Classification: Uncertain significance. Last evaluated: 2022-07-03. Review status: criteria provided, single submitter. Criteria: Invitae Variant Classification Sherloc (09022015). Collection method: clinical testing. Allele origin: germline.
Comment: This sequence change replaces glutamic acid, which is acidic and polar, with lysine, which is basic and polar, at codon 2428 of the PCNT protein (p.Glu2428Lys). This variant is present in population databases (rs778163048, gnomAD 0.01%). This variant has not been reported in the literature in individuals affected with PCNT-related conditions. ClinVar contains an entry for this variant (Variation ID: 436241). Algorithms developed to predict the effect of missense changes on protein structure and function output the following: SIFT: "Tolerated"; PolyPhen-2: "Benign"; Align-GVGD: "Class C0". The lysine amino acid residue is found in multiple mammalian species, which suggests that this missense change does not adversely affect protein function. In summary, the available evidence is currently insufficient to determine the role of this variant in disease. Therefore, it has been classified as a Variant of Uncertain Significance.

Ambry Genetics
Classification: Likely benign for Inborn genetic diseases. Last evaluated: 2021-07-13. Review status: criteria provided, single submitter. Criteria: Ambry Variant Classification Scheme 2023. Collection method: clinical testing. Allele origin: germline.

Genetic Services Laboratory, University of Chicago
Classification: Uncertain significance. Last evaluated: 2017-04-10. Review status: criteria provided, single submitter. Criteria: ACMG Guidelines, 2015. Collection method: clinical testing. Allele origin: germline. Affected: no.

NM_006031.6(PCNT):c.7282G>A (p.Glu2428Lys)

Gene: PCNT (pericentrin; plus strand). Cytogenetic location: 21q22.3.
Variant type: single nucleotide variant.
Coding change: c.7282G>A on transcript NM_006031.6 (MANE Select); coding-DNA position 7282, G replaced by A.
Protein change: p.Glu2428Lys; replaces glutamic acid 2428 with lysine.
Molecular consequence: missense variant.
Genome position (GRCh38, 1-based): chr21:46,425,933, G>A. VCF-style: chr21-46425933-G-A. GRCh37 (hg19) VCF-style: chr21-47845847-G-A.
Other names: c.6928G>A, p.Glu2310Lys (NM_001315529.2); short protein forms E2428K, E2310K.
Identifiers: ClinVar variation 436241 (VCV000436241.9), dbSNP rs778163048, ClinGen allele CA10080595.